The following is an entry in ClinVar:

ClinVar aggregate classification (germline): Uncertain significance (1 of 4 stars; one submission).

gnomAD v4.1: 5 of 1,614,228 alleles (0.00031%); highest among the groups gnomAD compares: Non-Finnish European, 0.00042%; no homozygotes.

Submission:

GeneDx
Classification: Uncertain significance. Last evaluated: 2024-05-25. Review status: criteria provided, single submitter. Criteria: GeneDx Variant Classification Process June 2021. Collection method: clinical testing. Allele origin: germline. Affected: yes.
Comment: Not observed at significant frequency in large population cohorts (gnomAD); Has not been previously published as pathogenic or benign to our knowledge; In silico analysis suggests this variant may impact gene splicing. In the absence of RNA/functional studies, the actual effect of this sequence change is unknown.

NM_003900.5(SQSTM1):c.1194C>T (p.Leu398=)

Gene: SQSTM1 (sequestosome 1; plus strand). Cytogenetic location: 5q35.3.
Variant type: single nucleotide variant.
Coding change: c.1194C>T on transcript NM_003900.5 (MANE Select); coding-DNA position 1194, C replaced by T.
Protein change: p.Leu398=; no amino-acid change (leucine 398 retained).
Molecular consequence: synonymous variant.
Genome position (GRCh38, 1-based): chr5:179,836,464, C>T. VCF-style: chr5-179836464-C-T. GRCh37 (hg19) VCF-style: chr5-179263464-C-T.
Other names: c.942C>T, p.Leu314= (NM_001142298.2, NM_001142299.2).
Identifiers: ClinVar variation 3381353 (VCV003381353.1).
Genomic context (GRCh38, chr5:179,836,464, plus strand): 5'-CACTCCTCATGGCTTCCTTACTGTTTCGGCAGAGGCTGACCCGCGGCTGATTGAGTCCCT[C>T]TCCCAGATGCTGTCCATGGGCTTCTCTGATGAAGGCGGCTGGCTCACCAGGCTCCTGCAG-3'
Protein context (NP_003891.1, residues 388-408): PEADPRLIES[Leu398=]SQMLSMGFSD